The following is an entry in ClinVar:

ClinVar aggregate classification (germline): Likely benign. Review status: criteria provided, multiple submitters, no conflicts (2 of 4 stars). 4 submissions from 4 submitters: Likely benign (4). Last evaluated 2026-01-27.

Conditions:
KBG syndrome (KBGS). Also called: ANKRD11-Related KBG Syndrome. Identifiers: Orphanet 2332, MedGen C0220687, MONDO:0007846, OMIM 148050.

Allele frequency attached by ClinVar (database versions not stated): ExAC 0.00001; gnomAD 0.00001; gnomAD exomes 0.00002; TOPMed 0.00002.
gnomAD v4.1: 28 of 1,609,694 alleles (0.0017%); highest among the groups gnomAD compares: Non-Finnish European, 0.0022%; no homozygotes.

Submissions (4):

Women's Health and Genetics/Laboratory Corporation of America, LabCorp
Classification: Likely benign. Last evaluated: 2026-01-27. Review status: criteria provided, single submitter. Criteria: LabCorp Variant Classification Summary - May 2015. Collection method: clinical testing. Allele origin: germline.

Labcorp Genetics (formerly Invitae), Labcorp
Classification: Likely benign for KBG syndrome. Last evaluated: 2025-04-22. Review status: criteria provided, single submitter. Criteria: Invitae Variant Classification Sherloc (09022015). Collection method: clinical testing. Allele origin: germline.

CeGaT Center for Human Genetics Tuebingen
Classification: Likely benign. Last evaluated: 2024-09-01. Review status: criteria provided, single submitter. Criteria: CeGaT Center For Human Genetics Tuebingen Variant Classification Criteria Version 2. Collection method: clinical testing. Allele origin: germline. Affected: yes. Observed: 1 variant allele.
Comment: ANKRD11: BP4, BP7

Blueprint Genetics
Classification: Likely benign. Last evaluated: 2024-04-04. Review status: criteria provided, single submitter. Criteria: ACMG Guidelines, 2015. Collection method: clinical testing. Allele origin: germline.

NM_013275.6(ANKRD11):c.2943C>T (p.Cys981=)

Gene: ANKRD11 (ankyrin repeat domain 11; minus strand). Cytogenetic location: 16q24.3.
Variant type: single nucleotide variant.
Coding change: c.2943C>T on transcript NM_013275.6 (MANE Select); coding-DNA position 2943, C replaced by T.
Protein change: p.Cys981=; no amino-acid change (cysteine 981 retained).
Molecular consequence: synonymous variant.
Genome position (GRCh38, 1-based): chr16:89,283,599, G>A on the plus strand (C>T on the coding strand, the complement: ANKRD11 is on the minus strand). VCF-style: chr16-89283599-G-A. GRCh37 (hg19) VCF-style: chr16-89350007-G-A.
Other names: c.2943C>T, p.Cys981= (NM_001256182.2, NM_001256183.2).
Identifiers: ClinVar variation 2057944 (VCV002057944.20), dbSNP rs750961647, ClinGen allele CA8242469.